The following is an entry in ClinVar:

ClinVar aggregate classification (germline): Benign/Likely benign. Review status: criteria provided, multiple submitters, no conflicts (2 of 4 stars). 5 submissions from 5 submitters: Benign (3); Likely benign (2). Last evaluated 2025-10-06.

Conditions:
Inborn genetic diseases. Identifiers: MedGen C0950123, MeSH D030342.
AHDC1-related intellectual disability - obstructive sleep apnea - mild dysmorphism syndrome. Also called: Xia-Gibbs syndrome. Identifiers: Orphanet 412069, MedGen C4014419, MONDO:0014358, OMIM 615829.

Allele frequency attached by ClinVar (database versions not stated): gnomAD 0.00006 and 0.00010; TOPMed 0.00008; gnomAD exomes 0.00015 and 0.00021; 1000 Genomes Project 30x 0.00016; 1000 Genomes Project 0.00020; ExAC 0.00028.
gnomAD v4.1: 230 of 1,613,238 alleles (0.014%); highest among the groups gnomAD compares: South Asian, 0.13%; 1 homozygote.

Submissions (5):

Labcorp Genetics (formerly Invitae), Labcorp
Classification: Likely benign. Last evaluated: 2025-10-06. Review status: criteria provided, single submitter. Criteria: Invitae Variant Classification Sherloc (09022015). Collection method: clinical testing. Allele origin: germline.

Ambry Genetics
Classification: Likely benign for Inborn genetic diseases. Last evaluated: 2025-08-04. Review status: criteria provided, single submitter. Criteria: Ambry Variant Classification Scheme 2023. Collection method: clinical testing. Allele origin: germline.

CeGaT Center for Human Genetics Tuebingen
Classification: Benign. Last evaluated: 2022-03-01. Review status: criteria provided, single submitter. Criteria: CeGaT Center For Human Genetics Tuebingen Variant Classification Criteria Version 2. Collection method: clinical testing. Allele origin: germline. Affected: yes. Observed: 1 variant allele.
Comment: AHDC1: BS1, BS2

Genome-Nilou Lab
Classification: Benign for AHDC1-related intellectual disability - obstructive sleep apnea - mild dysmorphism syndrome. Last evaluated: 2021-12-05. Review status: criteria provided, single submitter. Criteria: ACMG Guidelines, 2015. Collection method: clinical testing. Allele origin: germline. Affected: no.

GeneDx
Classification: Benign. Last evaluated: 2021-10-08. Review status: criteria provided, single submitter. Criteria: GeneDx Variant Classification Process June 2021. Collection method: clinical testing. Allele origin: germline. Affected: yes.

NM_001371928.1(AHDC1):c.3367G>A (p.Ala1123Thr)

Gene: AHDC1 (AT-hook DNA binding motif containing 1; minus strand). Cytogenetic location: 1p36.11.
Variant type: single nucleotide variant.
Coding change: c.3367G>A on transcript NM_001371928.1 (MANE Select); coding-DNA position 3367, G replaced by A.
Protein change: p.Ala1123Thr; replaces alanine 1123 with threonine.
Molecular consequence: missense variant.
Genome position (GRCh38, 1-based): chr1:27,548,749, C>T on the plus strand (G>A on the coding strand, the complement: AHDC1 is on the minus strand). VCF-style: chr1-27548749-C-T. GRCh37 (hg19) VCF-style: chr1-27875260-C-T.
Other names: c.3367G>A, p.Ala1123Thr (NM_001029882.3); short protein forms A1123T.
Identifiers: ClinVar variation 1300569 (VCV001300569.41), dbSNP rs534403874, ClinGen allele CA715568.